The following is an entry in ClinVar:

NM_005157.6(ABL1):c.549+4G>A

Gene: ABL1 (ABL proto-oncogene 1, non-receptor tyrosine kinase; plus strand). Cytogenetic location: 9q34.12.
Variant type: single nucleotide variant.
Coding change: c.549+4G>A on transcript NM_005157.6 (MANE Select); 4 bases into the intron after coding-DNA position 549, G replaced by A.
Molecular consequence: intron variant.
Genome position (GRCh38, 1-based): chr9:130,855,100, G>A. VCF-style: chr9-130855100-G-A. GRCh37 (hg19) VCF-style: chr9-133730487-G-A.
Other names: c.606+4G>A (NM_007313.3).
Identifiers: ClinVar variation 2714617 (VCV002714617.3), dbSNP rs1166916976, ClinGen allele CA590945411.

ClinVar aggregate classification (germline): Uncertain significance (1 of 4 stars; one submission).

Allele frequency attached by ClinVar (database versions not stated): gnomAD exomes below 0.00001.
gnomAD v4.1: 1 of 1,610,170 alleles (0.000062%); highest among the groups gnomAD compares: Admixed American, 0.0017%; no homozygotes.

Submission:

Labcorp Genetics (formerly Invitae), Labcorp
Classification: Uncertain significance. Last evaluated: 2024-01-31. Review status: criteria provided, single submitter. Criteria: Invitae Variant Classification Sherloc (09022015). Collection method: clinical testing. Allele origin: germline.
Comment: This sequence change falls in intron 3 of the ABL1 gene. It does not directly change the encoded amino acid sequence of the ABL1 protein. It affects a nucleotide within the consensus splice site. This variant is present in population databases (no rsID available, gnomAD 0.003%). This variant has not been reported in the literature in individuals affected with ABL1-related conditions. Variants that disrupt the consensus splice site are a relatively common cause of aberrant splicing (PMID: 17576681, 9536098). Algorithms developed to predict the effect of sequence changes on RNA splicing suggest that this variant is not likely to affect RNA splicing. In summary, the available evidence is currently insufficient to determine the role of this variant in disease. Therefore, it has been classified as a Variant of Uncertain Significance.

Literature cited by the submitters: PubMed 17576681; PubMed 9536098.